The following is an entry in ClinVar:

ClinVar aggregate classification (germline): Uncertain significance. Review status: criteria provided, multiple submitters, no conflicts (2 of 4 stars). 2 submissions from 2 submitters: Uncertain significance (2). Last evaluated 2025-08-21.

Conditions:
Inborn genetic diseases. Identifiers: MedGen C0950123, MeSH D030342.

Allele frequency attached by ClinVar (database versions not stated): ExAC 0.00001; gnomAD exomes 0.00001.
gnomAD v4.1: 16 of 1,614,132 alleles (0.00099%); highest among the groups gnomAD compares: Middle Eastern, 0.016%; no homozygotes.

Submissions (2):

Ambry Genetics
Classification: Uncertain significance for Inborn genetic diseases. Last evaluated: 2025-08-21. Review status: criteria provided, single submitter. Criteria: Ambry Variant Classification Scheme 2023. Collection method: clinical testing. Allele origin: germline.

Labcorp Genetics (formerly Invitae), Labcorp
Classification: Uncertain significance. Last evaluated: 2022-03-25. Review status: criteria provided, single submitter. Criteria: Invitae Variant Classification Sherloc (09022015). Collection method: clinical testing. Allele origin: germline.
Comment: This sequence change replaces proline, which is neutral and non-polar, with threonine, which is neutral and polar, at codon 25 of the SPARC protein (p.Pro25Thr). This variant is present in population databases (rs756848347, gnomAD 0.0009%). This variant has not been reported in the literature in individuals affected with SPARC-related conditions. Algorithms developed to predict the effect of missense changes on protein structure and function (SIFT, PolyPhen-2, Align-GVGD) all suggest that this variant is likely to be tolerated. In summary, the available evidence is currently insufficient to determine the role of this variant in disease. Therefore, it has been classified as a Variant of Uncertain Significance.

NM_003118.4(SPARC):c.73C>A (p.Pro25Thr)

Gene: SPARC (secreted protein acidic and cysteine rich; minus strand). Cytogenetic location: 5q33.1.
Variant type: single nucleotide variant.
Coding change: c.73C>A on transcript NM_003118.4 (MANE Select); coding-DNA position 73, C replaced by A.
Protein change: p.Pro25Thr; replaces proline 25 with threonine.
Molecular consequence: missense variant.
Genome position (GRCh38, 1-based): chr5:151,674,659, G>T on the plus strand (C>A on the coding strand, the complement: SPARC is on the minus strand). VCF-style: chr5-151674659-G-T. GRCh37 (hg19) VCF-style: chr5-151054220-G-T.
Other names: c.70C>A, p.Pro24Thr (NM_001309443.2); c.73C>A, p.Pro25Thr (NM_001309444.2); c.73C>A (NM_003118.2); short protein forms P25T, P24T.
Identifiers: ClinVar variation 1983428 (VCV001983428.2), dbSNP rs756848347, ClinGen allele CA3522831.
Genomic context (GRCh38, chr5:151,674,659, plus strand): 5'-ACTGCCCACATACCTCAGTCACCTCTGCCACAGTTTCTTCCACCACCTCTGTCTCATCAG[G>T]CAGGGCTTCTTGCTGCTGTTGGAAAGAGAAAGTAGCGTTCAGAGGGGTCAGGAATAAGGC-3'
Protein context (NP_003109.1, residues 15-35): ALAAPQQEAL[Pro25Thr]DETEVVEETV